The following is an entry in ClinVar:

ClinVar aggregate classification (germline): Uncertain significance (1 of 4 stars; one submission).

Conditions:
Tuberous sclerosis 2 (TSC2). Identifiers: Orphanet 805, MedGen C1860707, MONDO:0013199, OMIM 613254.

Submission:

Labcorp Genetics (formerly Invitae), Labcorp
Classification: Uncertain significance for Tuberous sclerosis 2. Last evaluated: 2024-09-27. Review status: criteria provided, single submitter. Criteria: Invitae Variant Classification Sherloc (09022015). Collection method: clinical testing. Allele origin: germline.
Comment: This sequence change replaces glycine, which is neutral and non-polar, with valine, which is neutral and non-polar, at codon 1460 of the TSC2 protein (p.Gly1460Val). This variant is not present in population databases (gnomAD no frequency). This variant has not been reported in the literature in individuals affected with TSC2-related conditions. Invitae Evidence Modeling of protein sequence and biophysical properties (such as structural, functional, and spatial information, amino acid conservation, physicochemical variation, residue mobility, and thermodynamic stability) indicates that this missense variant is not expected to disrupt TSC2 protein function with a negative predictive value of 95%. In summary, the available evidence is currently insufficient to determine the role of this variant in disease. Therefore, it has been classified as a Variant of Uncertain Significance.

NM_000548.5(TSC2):c.4379G>T (p.Gly1460Val)

Gene: TSC2 (TSC complex subunit 2; plus strand). Cytogenetic location: 16p13.3.
Variant type: single nucleotide variant.
Coding change: c.4379G>T on transcript NM_000548.5 (MANE Select); coding-DNA position 4379, G replaced by T.
Protein change: p.Gly1460Val; replaces glycine 1460 with valine.
Molecular consequence: missense variant. On other transcripts: non-coding transcript variant (5).
Genome position (GRCh38, 1-based): chr16:2,084,601, G>T. VCF-style: chr16-2084601-G-T. GRCh37 (hg19) VCF-style: chr16-2134602-G-T.
Other names: c.4178G>T, p.Gly1393Val (NM_001077183.3); c.4310G>T, p.Gly1437Val (NM_001114382.3); c.4070G>T, p.Gly1357Val (NM_001318827.2); c.4034G>T, p.Gly1345Val (NM_001318829.2); c.3647G>T, p.Gly1216Val (NM_001318831.2); c.4211G>T, p.Gly1404Val (NM_001318832.2); c.4181G>T, p.Gly1394Val (NM_001363528.2); c.4247G>T, p.Gly1416Val (NM_001370404.1); and 26 more; short protein forms G1194V, G1216V, G1374V, G1387V, G1394V, G945V, G969V, G989V.
Identifiers: ClinVar variation 2865251 (VCV002865251.3), dbSNP rs2544282753, ClinGen allele CA394301827.
Genomic context (GRCh38, chr16:2,084,601, plus strand): 5'-AGCCCGAGGGTCCCTTGCCTTCCAGCTCCCCCCGCTCGCCCAGTGGCCTCCGGCCCCGAG[G>T]TTACACCATCTCCGACTCGGCCCCATCACGCAGGGGCAAGAGAGTAGAGAGGGACGCCTT-3'
Protein context (NP_000539.2, residues 1450-1470): PRSPSGLRPR[Gly1460Val]YTISDSAPSR